The following is an entry in ClinVar:

NM_001378030.1(CCDC78):c.70C>T (p.Arg24Ter)

Gene: CCDC78 (coiled-coil domain containing 78; minus strand). Cytogenetic location: 16p13.3.
Variant type: single nucleotide variant.
Coding change: c.70C>T on transcript NM_001378030.1 (MANE Select); coding-DNA position 70, C replaced by T.
Protein change: p.Arg24Ter; replaces arginine 24 with a stop codon.
Molecular consequence: nonsense. On other transcripts: 5 prime UTR variant (1), non-coding transcript variant (5).
Genome position (GRCh38, 1-based): chr16:726,076, G>A on the plus strand (C>T on the coding strand, the complement: CCDC78 is on the minus strand). VCF-style: chr16-726076-G-A. GRCh37 (hg19) VCF-style: chr16-776076-G-A.
Other names: c.70C>T, p.Arg24Ter (NM_001031737.3, NM_001378031.1); c.-216C>T (NM_001378033.1); short protein forms R24*.
Identifiers: ClinVar variation 503661 (VCV000503661.13), dbSNP rs887921636, ClinGen allele CA276521083.

ClinVar aggregate classification (germline): Uncertain significance. Review status: criteria provided, multiple submitters, no conflicts (2 of 4 stars). 3 submissions from 3 submitters: Uncertain significance (3). Last evaluated 2025-11-28.

Conditions:
Congenital myopathy with internal nuclei and atypical cores. Also called: Myopathy, centronuclear, 4. Identifiers: Orphanet 319160, MedGen C4707232, MONDO:0013890, OMIM 614807.

Allele frequency attached by ClinVar (database versions not stated): TOPMed 0.00002; gnomAD 0.00003; gnomAD exomes 0.00003.

Submissions (3):

Labcorp Genetics (formerly Invitae), Labcorp
Classification: Uncertain significance for Congenital myopathy with internal nuclei and atypical cores. Last evaluated: 2025-11-28. Review status: criteria provided, single submitter. Criteria: Invitae Variant Classification Sherloc (09022015). Collection method: clinical testing. Allele origin: germline.
Comment: This sequence change creates a premature translational stop signal (p.Arg24*) in the CCDC78 gene. It is expected to result in an absent or disrupted protein product. However, the current clinical and genetic evidence is not sufficient to establish whether loss-of-function variants in CCDC78 cause disease. This variant is present in population databases (no rsID available, gnomAD 0.004%). This variant has not been reported in the literature in individuals affected with CCDC78-related conditions. ClinVar contains an entry for this variant (Variation ID: 503661). Algorithms developed to predict the effect of sequence changes on RNA splicing suggest that this variant may disrupt the consensus splice site. In summary, the available evidence is currently insufficient to determine the role of this variant in disease. Therefore, it has been classified as a Variant of Uncertain Significance.

Revvity Omics, Revvity
Classification: Uncertain significance for Congenital myopathy with internal nuclei and atypical cores. Last evaluated: 2022-08-19. Review status: criteria provided, single submitter. Criteria: ACMG Guidelines, 2015. Collection method: clinical testing. Allele origin: germline.

GeneDx
Classification: Uncertain significance. Last evaluated: 2015-03-26. Review status: criteria provided, single submitter. Criteria: GeneDx Variant Classification (06012015). Collection method: clinical testing. Allele origin: germline. Affected: yes.
Comment: The R24X variant in the CCDC78 gene has been not been reported previously as a pathogenic variant nor as a benign polymorphism, to our knowledge. This variant is predicted to cause loss of normal protein function either through protein truncation or nonsense-mediated mRNA decay. The R24X variant was not observed in approximately 5,900 individuals of European and African American ancestry in the NHLBI Exome Sequencing Project, indicating it is not a common benign variant in these populations. We interpret R24X as a variant of unknown significance.